The following is an entry in ClinVar:

NM_003722.5(TP63):c.992+4A>C

Gene: TP63 (tumor protein p63; plus strand). Cytogenetic location: 3q28.
Variant type: single nucleotide variant.
Coding change: c.992+4A>C on transcript NM_003722.5 (MANE Select); 4 bases into the intron after coding-DNA position 992, A replaced by C.
Molecular consequence: intron variant.
Genome position (GRCh38, 1-based): chr3:189,867,946, A>C. VCF-style: chr3-189867946-A-C. GRCh37 (hg19) VCF-style: chr3-189585735-A-C.
Other names: c.986+4A>C (NM_001329964.2); c.992+4A>C (NM_001114978.2, NM_001329144.2, NM_001329148.2 and 1 more transcripts); c.710+4A>C (NM_001114980.2, NM_001114981.2, NM_001329145.2 and 2 more transcripts); c.455+4A>C (NM_001329146.2, NM_001329150.2).
Identifiers: ClinVar variation 344386 (VCV000344386.40), dbSNP rs534974406, ClinGen allele CA2752303.

ClinVar aggregate classification (germline): Benign/Likely benign. Review status: criteria provided, multiple submitters, no conflicts (2 of 4 stars). 7 submissions from 5 submitters: Benign (5); Likely benign (2). Last evaluated 2024-12-02.

Conditions:
Orofacial cleft 8. Also called: Cleft lip with or without cleft palate, nonsyndromic, 8. Identifiers: MedGen C1851878, MONDO:0029145, OMIM 618149.
Ankyloblepharon-ectodermal defects-cleft lip/palate syndrome. Also called: HAY-WELLS SYNDROME; AEC SYNDROME; Ankyloblepharon-ectodermal defects, cleft lip/palate; Hay-Wells syndrome of ectodermal dysplasia; Ankyloblepharon-Ectodermal Defects-Cleft Lip/Palate Syndrome (AEC Syndrome). Identifiers: Orphanet 1071, MedGen C0406709, MONDO:0007124, OMIM 106260.
Rapp-Hodgkin syndrome (RHS). Also called: ECTODERMAL DYSPLASIA, ANHIDROTIC, WITH CLEFT LIP/PALATE; Isolated Cleft Lip/Cleft Palate (Orofacial Cleft 8); Rapp-Hodgkin ectodermal dysplasia syndrome. Identifiers: MedGen C1785148, MONDO:0007508, OMIM 129400.
Ectrodactyly, ectodermal dysplasia, and cleft lip-palate syndrome 3. Also called: EEC SYNDROME 3; Ectrodactyly, Ectodermal Dysplasia, Cleft Lip/Palate Syndrome 3 (EEC3); Ectrodactyly, Ectodermal Dysplasia, Clefting Syndrome; Ectrodactyly, Ectodermal Dysplasia, Clefting Syndrome Type 3 (EEC3). Identifiers: Orphanet 1896, MedGen C1858562, MONDO:0011428, OMIM 604292.
Limb-mammary syndrome (LMS). Also called: Mammary hypoplasia, ectrodactyly, and other hand/foot anomalies. Identifiers: Orphanet 69085, MedGen C1863753, MONDO:0011334, OMIM 603543.
Split hand-foot malformation 4. Also called: Split-Hand/Foot Malformation Type 4 (SHFM4); Split-Hand/Foot Malformation Type 4 (SHFM4 syndrome). Identifiers: Orphanet 2440, MedGen C1854442, MONDO:0011535, OMIM 605289.
ADULT syndrome. Also called: ACRO-DERMATO-UNGUAL-LACRIMAL-TOOTH SYNDROME; Acro-Dermo-Ungual-Lacrimal-Tooth Syndrome (ADULT Syndrome); Acro-dermato-ungual-lacrimal-tooth (adult) syndrome. Identifiers: Orphanet 978, MedGen C1863204, MONDO:0007072, OMIM 103285.
TP63-Related Spectrum Disorders.

Allele frequency attached by ClinVar (database versions not stated): gnomAD 0.00001 and 0.00022; TOPMed 0.00003; gnomAD exomes 0.00032 and 0.00059; ExAC 0.00073; 1000 Genomes Project 0.00100; 1000 Genomes Project 30x 0.00109.
gnomAD v4.1: 501 of 1,612,058 alleles (0.031%); highest among the groups gnomAD compares: South Asian, 0.49%; 7 homozygotes.

Submissions (7):

Labcorp Genetics (formerly Invitae), Labcorp
Classification: Benign. Last evaluated: 2024-12-02. Review status: criteria provided, single submitter. Criteria: Invitae Variant Classification Sherloc (09022015). Collection method: clinical testing. Allele origin: germline.

CeGaT Center for Human Genetics Tuebingen
Classification: Benign. Last evaluated: 2022-07-01. Review status: criteria provided, single submitter. Criteria: CeGaT Center For Human Genetics Tuebingen Variant Classification Criteria Version 2. Collection method: clinical testing. Allele origin: germline. Affected: yes. Observed: 2 variant alleles.
Comment: TP63: BS1, BS2

Fulgent Genetics
Classification: Likely benign for ADULT syndrome; Ankyloblepharon-ectodermal defects-cleft lip/palate syndrome; Rapp-Hodgkin syndrome; Limb-mammary syndrome; Ectrodactyly, ectodermal dysplasia, and cleft lip-palate syndrome 3; Split hand-foot malformation 4; Orofacial cleft 8. Last evaluated: 2021-11-17. Review status: criteria provided, single submitter. Criteria: ACMG Guidelines, 2015. Collection method: clinical testing. Allele origin: unknown.

GeneDx
Classification: Benign. Last evaluated: 2020-04-01. Review status: criteria provided, single submitter. Criteria: GeneDx Variant Classification Process June 2021. Collection method: clinical testing. Allele origin: germline. Affected: yes.

Illumina Laboratory Services, Illumina
Classification: Benign for TP63-Related Spectrum Disorders. Last evaluated: 2018-01-12. Review status: criteria provided, single submitter. Criteria: ICSL Variant Classification Criteria 13 December 2019. Collection method: clinical testing. Allele origin: germline.
Comment: This variant was observed in the ICSL laboratory as part of a predisposition screen in an ostensibly healthy population. It had not been previously curated by ICSL or reported in the Human Gene Mutation Database (HGMD: prior to June 1st, 2018), and was therefore a candidate for classification through an automated scoring system. Utilizing variant allele frequency, disease prevalence and penetrance estimates, and inheritance mode, an automated score was calculated to assess if this variant is too frequent to cause the disease. Based on the score and internal cut-off values, a variant classified as benign is not then subjected to further curation. The score for this variant resulted in a classification of benign for this disease.

Illumina Laboratory Services, Illumina
Classification: Benign for Ectrodactyly, ectodermal dysplasia, and cleft lip-palate syndrome 3. Last evaluated: 2018-01-12. Review status: criteria provided, single submitter. Criteria: ICSL Variant Classification Criteria 13 December 2019. Collection method: clinical testing. Allele origin: germline.
Comment: the same text as in the submission from Illumina Laboratory Services, Illumina above.

Illumina Laboratory Services, Illumina
Classification: Likely benign for Orofacial cleft 8. Last evaluated: 2018-01-12. Review status: criteria provided, single submitter. Criteria: ICSL Variant Classification Criteria 13 December 2019. Collection method: clinical testing. Allele origin: germline.
Comment: This variant was observed in the ICSL laboratory as part of a predisposition screen in an ostensibly healthy population. It had not been previously curated by ICSL or reported in the Human Gene Mutation Database (HGMD: prior to June 1st, 2018), and was therefore a candidate for classification through an automated scoring system. Utilizing variant allele frequency, disease prevalence and penetrance estimates, and inheritance mode, an automated score was calculated to assess if this variant is too frequent to cause the disease. Based on the score and internal cut-off values, a variant classified as likely benign is not then subjected to further curation. The score for this variant resulted in a classification of likely benign for this disease.